The following is an entry in ClinVar:

NM_031935.3(HMCN1):c.3520C>A (p.Gln1174Lys)

Gene: HMCN1 (hemicentin 1; plus strand). Cytogenetic location: 1q31.1.
Variant type: single nucleotide variant.
Coding change: c.3520C>A on transcript NM_031935.3 (MANE Select); coding-DNA position 3520, C replaced by A.
Protein change: p.Gln1174Lys; replaces glutamine 1174 with lysine.
Molecular consequence: missense variant.
Genome position (GRCh38, 1-based): chr1:185,994,829, C>A. VCF-style: chr1-185994829-C-A. GRCh37 (hg19) VCF-style: chr1-185963961-C-A.
Other names: short protein forms Q1174K.
Identifiers: ClinVar variation 2104969 (VCV002104969.4), dbSNP rs1468012804, ClinGen allele CA343870566.

ClinVar aggregate classification (germline): Uncertain significance (1 of 4 stars; one submission).

Submission:

Labcorp Genetics (formerly Invitae), Labcorp
Classification: Uncertain significance. Last evaluated: 2022-03-01. Review status: criteria provided, single submitter. Criteria: Invitae Variant Classification Sherloc (09022015). Collection method: clinical testing. Allele origin: germline.
Comment: This variant has not been reported in the literature in individuals affected with HMCN1-related conditions. This sequence change replaces glutamine, which is neutral and polar, with lysine, which is basic and polar, at codon 1174 of the HMCN1 protein (p.Gln1174Lys). This variant is not present in population databases (gnomAD no frequency). Algorithms developed to predict the effect of missense changes on protein structure and function are either unavailable or do not agree on the potential impact of this missense change (SIFT: "Deleterious"; PolyPhen-2: "Probably Damaging"; Align-GVGD: "Class C0"). In summary, the available evidence is currently insufficient to determine the role of this variant in disease. Therefore, it has been classified as a Variant of Uncertain Significance.